The following is an entry in ClinVar:

NM_005228.5(EGFR):c.2061+5G>A

Gene: EGFR (epidermal growth factor receptor; plus strand). Cytogenetic location: 7p11.2.
Variant type: single nucleotide variant.
Coding change: c.2061+5G>A on transcript NM_005228.5 (MANE Select); 5 bases into the intron after coding-DNA position 2061, G replaced by A.
Molecular consequence: intron variant.
Genome position (GRCh38, 1-based): chr7:55,173,129, G>A. VCF-style: chr7-55173129-G-A. GRCh37 (hg19) VCF-style: chr7-55240822-G-A.
Other names: c.1926+5G>A (NM_001346899.2, NM_001346897.2); c.1260+5G>A (NM_001346941.2); c.2061+5G>A (NM_001346898.2); c.1902+5G>A (NM_001346900.2).
Identifiers: ClinVar variation 953862 (VCV000953862.8), dbSNP rs1237627217, ClinGen allele CA1139660085.
Genomic context (GRCh38, chr7:55,173,129, plus strand): 5'-GAAGGCGCCACATCGTTCGGAAGCGCACGCTGCGGAGGCTGCTGCAGGAGAGGGAGGTGA[G>A]TGCCAGTCCTGGGTGGGCTCAGGAGCCCTCGCACCCCGACAGGAACAAGGGCCAGCCCCG-3'

ClinVar aggregate classification (germline): Uncertain significance. Review status: criteria provided, multiple submitters, no conflicts (2 of 4 stars). 2 submissions from 2 submitters: Uncertain significance (2). Last evaluated 2024-12-20.

Conditions:
EGFR-related lung cancer (EGFR). Identifiers: MedGen CN130014.
Hereditary cancer-predisposing syndrome. Also called: Hereditary neoplastic syndrome; Tumor predisposition; Neoplastic Syndromes, Hereditary; Hereditary Cancer Syndrome. Identifiers: Orphanet 140162, MedGen C0027672, MeSH D009386, MONDO:0015356.

Allele frequency attached by ClinVar (database versions not stated): gnomAD 0.00001.
gnomAD v4.1: 1 of 1,609,144 alleles (0.000062%); highest among the groups gnomAD compares: East Asian, 0.0022%; no homozygotes.

Submissions (2):

Ambry Genetics
Classification: Uncertain significance for Hereditary cancer-predisposing syndrome. Last evaluated: 2024-12-20. Review status: criteria provided, single submitter. Criteria: Ambry Variant Classification Scheme 2023. Collection method: clinical testing. Allele origin: germline.
Comment: The c.2061+5G>A intronic variant results from a G to A substitution 5 nucleotides after coding exon 17 in the EGFR gene. This nucleotide position is well conserved in available vertebrate species. In silico splice site analysis predicts that this alteration will not have any significant effect on splicing. Based on the available evidence, the clinical significance of this variant remains unclear.

Labcorp Genetics (formerly Invitae), Labcorp
Classification: Uncertain significance for EGFR-related lung cancer. Last evaluated: 2022-02-24. Review status: criteria provided, single submitter. Criteria: Invitae Variant Classification Sherloc (09022015). Collection method: clinical testing. Allele origin: germline.
Comment: This sequence change falls in intron 17 of the EGFR gene. It does not directly change the encoded amino acid sequence of the EGFR protein. It affects a nucleotide within the consensus splice site. ClinVar contains an entry for this variant (Variation ID: 953862). In summary, the available evidence is currently insufficient to determine the role of this variant in disease. Therefore, it has been classified as a Variant of Uncertain Significance. Variants that disrupt the consensus splice site are a relatively common cause of aberrant splicing (PMID: 17576681, 9536098). Algorithms developed to predict the effect of sequence changes on RNA splicing suggest that this variant is not likely to affect RNA splicing. This variant has not been reported in the literature in individuals affected with EGFR-related conditions. This variant is not present in population databases (gnomAD no frequency).

Literature cited by the submitters: PubMed 17576681 (cited by Labcorp Genetics (formerly Invitae), Labcorp); PubMed 9536098 (cited by Labcorp Genetics (formerly Invitae), Labcorp).